The following is an entry in ClinVar:

ClinVar aggregate classification (germline): Likely benign. Review status: criteria provided, multiple submitters, no conflicts (2 of 4 stars). 3 submissions from 3 submitters: Likely benign (3). Last evaluated 2026-09-01.

Conditions:
ACTA1-related disorder. Also called: ACTA1-related condition.

Allele frequency attached by ClinVar (database versions not stated): gnomAD 0.00056 and 0.00055; TOPMed 0.00063; 1000 Genomes Project 30x 0.00141; 1000 Genomes Project 0.00160; gnomAD exomes 0.00006 and 0.00012; ExAC 0.00019; ESP Exome Variant Server 0.00046.
gnomAD v4.1: 167 of 1,614,116 alleles (0.01%); highest among the groups gnomAD compares: African/African-American, 0.19%; no homozygotes.

Submissions (3):

PreventionGenetics, part of Exact Sciences
Classification: Likely benign for ACTA1-related condition. Last evaluated: 2026-09-01. Review status: criteria provided, single submitter. Criteria: ACMG Guidelines, 2015. Collection method: clinical testing. Allele origin: germline.
Comment: This variant is classified as likely benign based on ACMG/AMP sequence variant interpretation guidelines (Richards et al. 2015 PMID: 25741868, with internal and published modifications).

Blueprint Genetics
Classification: Likely benign. Last evaluated: 2024-06-24. Review status: criteria provided, single submitter. Criteria: ACMG Guidelines, 2015. Collection method: clinical testing. Allele origin: germline.

GeneDx
Classification: Likely benign. Last evaluated: 2024-04-10. Review status: criteria provided, single submitter. Criteria: GeneDx Variant Classification Process June 2021. Collection method: clinical testing. Allele origin: germline. Affected: yes.
Comment: See Variant Classification Assertion Criteria.

NM_001100.4(ACTA1):c.-4C>T

Gene: ACTA1 (actin alpha 1, skeletal muscle; minus strand). Cytogenetic location: 1q42.13.
Variant type: single nucleotide variant.
Coding change: c.-4C>T on transcript NM_001100.4 (MANE Select); 4 bases upstream of the start codon, C replaced by T.
Molecular consequence: 5 prime UTR variant.
Genome position (GRCh38, 1-based): chr1:229,433,119, G>A on the plus strand (C>T on the coding strand, the complement: ACTA1 is on the minus strand). VCF-style: chr1-229433119-G-A. GRCh37 (hg19) VCF-style: chr1-229568866-G-A.
Identifiers: ClinVar variation 387560 (VCV000387560.6), dbSNP rs186826063, ClinGen allele CA1442955.
Genomic context (GRCh38, chr1:229,433,119, plus strand): 5'-CACCAGGCCGGAGCCATTGTCGCACACGAGGGCGGTGGTCTCGTCTTCGTCGCACATTGT[G>A]TCTAGTTTCTGCAAGGACAGGGAGACCGCGAAGAGGCGCGGTGCATCAGCGCAGAAGTCT-3'